The following is an entry in ClinVar:

ClinVar aggregate classification (germline): Uncertain significance. Review status: criteria provided, multiple submitters, no conflicts (2 of 4 stars). 3 submissions from 3 submitters: Uncertain significance (2). 1 of the submissions does not count toward it. Last evaluated 2024-05-31.

Conditions:
Hereditary cancer-predisposing syndrome. Also called: Neoplastic Syndromes, Hereditary; Tumor predisposition; Hereditary neoplastic syndrome; Hereditary Cancer Syndrome. Identifiers: Orphanet 140162, MedGen C0027672, MeSH D009386, MONDO:0015356.
Fanconi anemia complementation group C (FANCC). Also called: FANCONI PANCYTOPENIA, TYPE 3; FACC; Fanconi anemia, group C; FANCC-Related Fanconi Anemia. Identifiers: Orphanet 84, MedGen C3468041, MONDO:0009213, OMIM 227645.

Allele frequency attached by ClinVar (database versions not stated): TOPMed below 0.00001.
gnomAD v4.1: 1 of 1,606,492 alleles (0.000062%); highest among the groups gnomAD compares: Non-Finnish European, 0.000085%; no homozygotes.

Submissions (3):

Ambry Genetics
Classification: Uncertain significance for Hereditary cancer-predisposing syndrome. Last evaluated: 2024-05-31. Review status: criteria provided, single submitter. Criteria: Ambry Variant Classification Scheme 2023. Collection method: clinical testing. Allele origin: germline.
Comment: The p.P147T variant (also known as c.439C>A), located in coding exon 4 of the FANCC gene, results from a C to A substitution at nucleotide position 439. The proline at codon 147 is replaced by threonine, an amino acid with highly similar properties. This amino acid position is well conserved in available vertebrate species. In addition, this alteration is predicted to be tolerated by in silico analysis. Since supporting evidence is limited at this time, the clinical significance of this alteration remains unclear.

GeneDx
Classification: Uncertain significance. Last evaluated: 2024-02-16. Review status: criteria provided, single submitter. Criteria: GeneDx Variant Classification Process June 2021. Collection method: clinical testing. Allele origin: germline. Affected: yes.
Comment: Not observed at significant frequency in large population cohorts (gnomAD); In silico analysis supports that this missense variant has a deleterious effect on protein structure/function; Has not been previously published as pathogenic or benign to our knowledge; This variant is associated with the following publications: (PMID: Gordon2000[Book])

Natera, Inc.
Classification: Uncertain significance for Fanconi anemia, group C. Last evaluated: 2020-09-16. Review status: no assertion criteria provided. Collection method: clinical testing. Allele origin: germline. Not counted in ClinVar's aggregate classification.

NM_000136.3(FANCC):c.439C>A (p.Pro147Thr)

Gene: FANCC (FA complementation group C; minus strand). Cytogenetic location: 9q22.32.
Variant type: single nucleotide variant.
Coding change: c.439C>A on transcript NM_000136.3 (MANE Select); coding-DNA position 439, C replaced by A.
Protein change: p.Pro147Thr; replaces proline 147 with threonine.
Molecular consequence: missense variant.
Genome position (GRCh38, 1-based): chr9:95,172,054, G>T on the plus strand (C>A on the coding strand, the complement: FANCC is on the minus strand). VCF-style: chr9-95172054-G-T. GRCh37 (hg19) VCF-style: chr9-97934336-G-T.
Other names: c.439C>A, p.Pro147Thr (NM_001243743.2, NM_001243744.2); short protein forms P147T.
Identifiers: ClinVar variation 824862 (VCV000824862.7), dbSNP rs1564720334, ClinGen allele CA374338726.